The following is an entry in ClinVar:

ClinVar aggregate classification (germline): Uncertain significance (1 of 4 stars; one submission).

Conditions:
TTN-related disorder. Also called: TTN-related condition; TTN-related disease; TTN-related disorders.

Allele frequency attached by ClinVar (database versions not stated): gnomAD exomes below 0.00001; TOPMed 0.00001; gnomAD 0.00002.
gnomAD v4.1: 4 of 1,613,180 alleles (0.00025%); highest among the groups gnomAD compares: African/African-American, 0.0053%; no homozygotes.

Submission:

PreventionGenetics, part of Exact Sciences
Classification: Uncertain significance for TTN-related condition. Last evaluated: 2023-01-20. Review status: criteria provided, single submitter. Criteria: ACMG Guidelines, 2015. Collection method: clinical testing. Allele origin: germline.
Comment: The TTN c.15061G>A variant is predicted to result in the amino acid substitution p.Gly5021Arg. This variant is located in exon 48 of the Novex-3 transcript (minor small cardiac isoform) which is the last exon of this transcript. This exon is not included in any other TTN transcripts (principle cardiac or skeletal muscle isoforms). Of note, this variant can also be referred to as c.11312-5418G>A with the more commonly reported transcript, NM_001267550. To our knowledge, this variant has not been reported in the literature or in a large population database, indicating this variant is rare. At this time, the clinical significance of this variant is uncertain.

NM_001267550.2(TTN):c.11312-5418G>A

Genes: TTN (titin; minus strand), LOC126806432 (CDK7 strongly-dependent group 2 enhancer GRCh37_chr2:179611985-179613184; plus strand). Cytogenetic location: 2q31.2.
Variant type: single nucleotide variant.
Coding change: c.11312-5418G>A on transcript NM_001267550.2 (MANE Select); 5418 bases into the intron before coding-DNA position 11312, G replaced by A.
Molecular consequence: intron variant. On other transcripts: missense variant (1).
Genome position (GRCh38, 1-based): chr2:178,747,339, C>T on the plus strand (G>A on the coding strand, the complement: TTN is on the minus strand). VCF-style: chr2-178747339-C-T. GRCh37 (hg19) VCF-style: chr2-179612066-C-T.
Other names: c.15061G>A, p.Gly5021Arg (NM_133379.5); c.10223-5418G>A (NM_003319.4); c.10799-5418G>A (NM_133437.4); c.10598-5418G>A (NM_133432.3); c.10360+5785G>A (NM_133378.4); c.10361-5418G>A (NM_001256850.1); short protein forms G5021R.
Identifiers: ClinVar variation 2635020 (VCV002635020.1), dbSNP rs2083953228, ClinGen allele CA349639454.